The following is an entry in ClinVar:

NM_001351305.2(CROCC2):c.33G>C (p.Gly11=)

Gene: CROCC2 (ciliary rootlet coiled-coil, rootletin family member 2; plus strand). Cytogenetic location: 2q37.3.
Variant type: single nucleotide variant.
Coding change: c.33G>C on transcript NM_001351305.2 (MANE Select); coding-DNA position 33, G replaced by C.
Protein change: p.Gly11=; no amino-acid change (glycine 11 retained).
Molecular consequence: synonymous variant.
Genome position (GRCh38, 1-based): chr2:240,906,546, G>C. VCF-style: chr2-240906546-G-C. GRCh37 (hg19) VCF-style: chr2-241845963-G-C.
Identifiers: ClinVar variation 2652100 (VCV002652100.24), dbSNP rs773365357, ClinGen allele CA68183650.

ClinVar aggregate classification (germline): Likely benign (1 of 4 stars; one submission).

gnomAD v4.1: 52 of 399,032 alleles (0.013%); highest among the groups gnomAD compares: Non-Finnish European, 0.021%; no homozygotes.

Submission:

CeGaT Center for Human Genetics Tuebingen
Classification: Likely benign. Last evaluated: 2022-06-01. Review status: criteria provided, single submitter. Criteria: CeGaT Center For Human Genetics Tuebingen Variant Classification Criteria Version 2. Collection method: clinical testing. Allele origin: germline. Affected: yes. Observed: 1 variant allele.
Comment: CROCC2: BP4, BP7